The following is an entry in ClinVar:

NM_152703.5(SAMD9L):c.4561C>G (p.Leu1521Val)

Gene: SAMD9L (sterile alpha motif domain containing 9 like; minus strand). Cytogenetic location: 7q21.2.
Variant type: single nucleotide variant.
Coding change: c.4561C>G on transcript NM_152703.5 (MANE Select); coding-DNA position 4561, C replaced by G.
Protein change: p.Leu1521Val; replaces leucine 1521 with valine.
Molecular consequence: missense variant.
Genome position (GRCh38, 1-based): chr7:93,131,411, G>C on the plus strand (C>G on the coding strand, the complement: SAMD9L is on the minus strand). VCF-style: chr7-93131411-G-C. GRCh37 (hg19) VCF-style: chr7-92760724-G-C.
Other names: c.4561C>G, p.Leu1521Val (NM_001303496.3, NM_001303497.3, NM_001303498.3 and 5 more transcripts); short protein forms L1521V.
Identifiers: ClinVar variation 4737594 (VCV004737594.1).

ClinVar aggregate classification (germline): Uncertain significance (1 of 4 stars; one submission).

gnomAD v4.1: 1 of 1,613,624 alleles (0.000062%); highest among the groups gnomAD compares: Non-Finnish European, 0.000085%; no homozygotes.

Submission:

Labcorp Genetics (formerly Invitae), Labcorp
Classification: Uncertain significance. Last evaluated: 2025-03-18. Review status: criteria provided, single submitter. Criteria: Invitae Variant Classification Sherloc (09022015). Collection method: clinical testing. Allele origin: germline.
Comment: This sequence change replaces leucine, which is neutral and non-polar, with valine, which is neutral and non-polar, at codon 1521 of the SAMD9L protein (p.Leu1521Val). This variant is present in population databases (no rsID available, gnomAD 0.0009%). This missense change has been observed in individual(s) with bone marrow dysplasia (PMID: 29146883). Invitae Evidence Modeling of protein sequence and biophysical properties (such as structural, functional, and spatial information, amino acid conservation, physicochemical variation, residue mobility, and thermodynamic stability) has been performed for this missense variant. However, the output from this modeling did not meet the statistical confidence thresholds required to predict the impact of this variant on SAMD9L protein function. In summary, the available evidence is currently insufficient to determine the role of this variant in disease. Therefore, it has been classified as a Variant of Uncertain Significance.

Literature cited by the submitters: PubMed 29146883.